The following is an entry in ClinVar:

NM_001035.3(RYR2):c.4247A>G (p.Asp1416Gly)

Gene: RYR2 (ryanodine receptor 2; plus strand). Cytogenetic location: 1q43.
Variant type: single nucleotide variant.
Coding change: c.4247A>G on transcript NM_001035.3 (MANE Select); coding-DNA position 4247, A replaced by G.
Protein change: p.Asp1416Gly; replaces aspartic acid 1416 with glycine.
Molecular consequence: missense variant.
Genome position (GRCh38, 1-based): chr1:237,591,825, A>G. VCF-style: chr1-237591825-A-G. GRCh37 (hg19) VCF-style: chr1-237755125-A-G.
Other names: short protein forms D1416G.
Identifiers: ClinVar variation 1035805 (VCV001035805.10), dbSNP rs1675234923, ClinGen allele CA345398843.

ClinVar aggregate classification (germline): Uncertain significance (1 of 4 stars; one submission).

Conditions:
Catecholaminergic polymorphic ventricular tachycardia 1. Also called: RYR2-Related Catecholaminergic Polymorphic Ventricular Tachycardia; VENTRICULAR TACHYCARDIA, STRESS-INDUCED POLYMORPHIC 1; VENTRICULAR TACHYCARDIA, CATECHOLAMINERGIC POLYMORPHIC, 1, WITH OR WITHOUT ATRIAL DYSFUNCTION AND/OR DILATED CARDIOMYOPATHY. Identifiers: Orphanet 3286, MedGen C1631597, MONDO:0011484, OMIM 604772.

Submission:

Labcorp Genetics (formerly Invitae), Labcorp
Classification: Uncertain significance for Catecholaminergic polymorphic ventricular tachycardia 1. Last evaluated: 2020-08-23. Review status: criteria provided, single submitter. Criteria: Invitae Variant Classification Sherloc (09022015). Collection method: clinical testing. Allele origin: germline.
Comment: This sequence change replaces aspartic acid with glycine at codon 1416 of the RYR2 protein (p.Asp1416Gly). The aspartic acid residue is highly conserved and there is a moderate physicochemical difference between aspartic acid and glycine. In summary, the available evidence is currently insufficient to determine the role of this variant in disease. Therefore, it has been classified as a Variant of Uncertain Significance. Advanced modeling of protein sequence and biophysical properties (such as structural, functional, and spatial information, amino acid conservation, physicochemical variation, residue mobility, and thermodynamic stability) performed at Invitae indicates that this missense variant is not expected to disrupt RYR2 protein function. This variant has not been reported in the literature in individuals with RYR2-related conditions. This variant is not present in population databases (ExAC no frequency).